The following is an entry in ClinVar:

ClinVar aggregate classification (germline): Likely pathogenic (1 of 4 stars; one submission).

Conditions:
Aniridia 1 (AN1). Identifiers: Orphanet 250923, MedGen C0344542, MONDO:0024507, OMIM 106210.
Irido-corneo-trabecular dysgenesis (ASGD5). Also called: ANTERIOR SEGMENT DYSGENESIS 5. Identifiers: Orphanet 708, MedGen C0344559, MONDO:0011414, OMIM 604229, HP:0000659.

Submission:

Labcorp Genetics (formerly Invitae), Labcorp
Classification: Likely pathogenic for Aniridia 1; Irido-corneo-trabecular dysgenesis. Last evaluated: 2019-07-08. Review status: criteria provided, single submitter. Criteria: Invitae Variant Classification Sherloc (09022015). Collection method: clinical testing. Allele origin: germline.
Comment: In summary, the currently available evidence indicates that the variant is pathogenic, but additional data are needed to prove that conclusively. Therefore, this variant has been classified as Likely Pathogenic. Algorithms developed to predict the effect of missense changes on protein structure and function are either unavailable or do not agree on the potential impact of this missense change (SIFT: "Deleterious"; PolyPhen-2: "Benign"; Align-GVGD: "Class C35"). This sequence change replaces glutamine with arginine at codon 211 of the PAX6 protein (p.Gln211Arg). The glutamine residue is highly conserved and there is a small physicochemical difference between glutamine and arginine. This variant is not present in population databases (ExAC no frequency).

NM_001368894.2(PAX6):c.674A>G (p.Gln225Arg)

Gene: PAX6 (paired box 6; minus strand). Cytogenetic location: 11p13.
Variant type: single nucleotide variant.
Coding change: c.674A>G on transcript NM_001368894.2 (MANE Select); coding-DNA position 674, A replaced by G.
Protein change: p.Gln225Arg; replaces glutamine 225 with arginine.
Molecular consequence: missense variant. On other transcripts: non-coding transcript variant (2).
Genome position (GRCh38, 1-based): chr11:31,794,680, T>C on the plus strand (A>G on the coding strand, the complement: PAX6 is on the minus strand). VCF-style: chr11-31794680-T-C. GRCh37 (hg19) VCF-style: chr11-31816228-T-C.
Other names: c.632A>G, p.Gln211Arg (NM_000280.6, NM_001127612.3, NM_001258464.2 and 10 more transcripts); c.674A>G, p.Gln225Arg (NM_001258462.3, NM_001258463.2, NM_001310158.2 and 6 more transcripts); c.224A>G, p.Gln75Arg (NM_001310160.2, NM_001310161.3, NM_001368899.2 and 11 more transcripts); c.875A>G, p.Gln292Arg (NM_001368910.2); c.677A>G, p.Gln226Arg (NM_001368911.2); c.749A>G, p.Gln250Arg (NM_001368918.2, NM_001368919.2); c.707A>G, p.Gln236Arg (NM_001368920.2); c.473A>G, p.Gln158Arg (NM_001368921.2, NM_001368922.2, NM_001368923.2 and 4 more transcripts); and 2 more; short protein forms Q144R, Q226R, Q75R, Q158R, Q225R, Q236R, Q211R, Q10R.
Identifiers: ClinVar variation 648737 (VCV000648737.10), dbSNP rs1592433640, ClinGen allele CA379956918.